The following is an entry in ClinVar:

ClinVar aggregate classification (germline): Uncertain significance (1 of 4 stars; one submission).

gnomAD v4.1: 1 of 1,612,622 alleles (0.000062%); highest among the groups gnomAD compares: Non-Finnish European, 0.000085%; no homozygotes.

Submission:

Women's Health and Genetics/Laboratory Corporation of America, LabCorp
Classification: Uncertain significance. Last evaluated: 2025-01-13. Review status: criteria provided, single submitter. Criteria: LabCorp Variant Classification Summary - May 2015. Collection method: clinical testing. Allele origin: germline.
Comment: Variant summary: REEP1 c.594A>G (p.Ser198Ser) alters a conserved nucleotide located close to a canonical splice site and therefore could affect mRNA splicing, leading to a significantly altered protein sequence. Several computational tools predict a significant impact on normal splicing: Four predict the variant weakens a 5' donor site. However, these predictions have yet to be confirmed by functional studies. The variant allele was found at a frequency of 6.2e-07 in 1612622 control chromosomes (gnomAD database v4). The available data on variant occurrences in the general population are insufficient to allow any conclusion about variant significance. To our knowledge, no occurrence of c.594A>G in individuals affected with Spinal muscular atrophy, distal, autosomal recessive, 6 and no experimental evidence demonstrating its impact on protein function have been reported. No submitters have cited clinical-significance assessments for this variant to ClinVar. Based on the evidence outlined above, the variant was classified as uncertain significance.

NM_001371279.1(REEP1):c.594A>G (p.Ser198=)

Gene: REEP1 (receptor accessory protein 1; minus strand). Cytogenetic location: 2p11.2.
Variant type: single nucleotide variant.
Coding change: c.594A>G on transcript NM_001371279.1 (MANE Select); coding-DNA position 594, A replaced by G.
Protein change: p.Ser198=; no amino-acid change (serine 198 retained).
Molecular consequence: synonymous variant. On other transcripts: missense variant (1), intron variant (1).
Genome position (GRCh38, 1-based): chr2:86,232,626, T>C on the plus strand (A>G on the coding strand, the complement: REEP1 is on the minus strand). VCF-style: chr2-86232626-T-C. GRCh37 (hg19) VCF-style: chr2-86459749-T-C.
Other names: c.615A>G, p.Ser205= (NM_001164730.2); c.513A>G, p.Ser171= (NM_001164731.2); c.359A>G, p.Gln120Arg (NM_001164732.2); c.594A>G, p.Ser198= (NM_001410855.1, NM_001410856.1, NM_022912.3); c.418-15516A>G (NM_001371280.1); short protein forms Q120R.
Identifiers: ClinVar variation 3769153 (VCV003769153.2).